The following is an entry in ClinVar:

NM_001040108.2(MLH3):c.3280+4A>G

Gene: MLH3 (mutL homolog 3; minus strand). Cytogenetic location: 14q24.3.
Variant type: single nucleotide variant.
Coding change: c.3280+4A>G on transcript NM_001040108.2 (MANE Select); 4 bases into the intron after coding-DNA position 3280, A replaced by G.
Molecular consequence: intron variant.
Genome position (GRCh38, 1-based): chr14:75,046,372, T>C on the plus strand (A>G on the coding strand, the complement: MLH3 is on the minus strand). VCF-style: chr14-75046372-T-C. GRCh37 (hg19) VCF-style: chr14-75513075-T-C.
Other names: c.3280+4A>G (NM_014381.3).
Identifiers: ClinVar variation 1007346 (VCV001007346.10), dbSNP rs755203976, ClinGen allele CA7275564.

ClinVar aggregate classification (germline): Uncertain significance. Review status: criteria provided, multiple submitters, no conflicts (2 of 4 stars). 2 submissions from 2 submitters: Uncertain significance (2). Last evaluated 2024-09-05.

Conditions:
Colorectal cancer, hereditary nonpolyposis, type 7. Identifiers: Orphanet 144, MedGen C1858380, MONDO:0013725, OMIM 614385.

Allele frequency attached by ClinVar (database versions not stated): gnomAD exomes below 0.00001; ExAC 0.00001.

Submissions (2):

Ambry Genetics
Classification: Uncertain significance. Last evaluated: 2024-09-05. Review status: criteria provided, single submitter. Criteria: Ambry Variant Classification Scheme 2023. Collection method: clinical testing. Allele origin: germline.
Comment: The c.3280+4A>G intronic variant results from an A to G substitution 4 nucleotides after coding exon 1 in the MLH3 gene. This nucleotide position is well conserved in available vertebrate species. In silico splice site analysis predicts that this alteration will result in the creation or strengthening of a novel splice donor site. The evidence for this gene-disease relationship is limited; therefore, the clinical significance of this alteration is unclear.

Labcorp Genetics (formerly Invitae), Labcorp
Classification: Uncertain significance for Colorectal cancer, hereditary nonpolyposis, type 7. Last evaluated: 2020-06-21. Review status: criteria provided, single submitter. Criteria: Invitae Variant Classification Sherloc (09022015). Collection method: clinical testing. Allele origin: germline.
Comment: In summary, the available evidence is currently insufficient to determine the role of this variant in disease. Therefore, it has been classified as a Variant of Uncertain Significance. Nucleotide substitutions within the consensus splice site are a relatively common cause of aberrant splicing (PMID: 17576681, 9536098). Algorithms developed to predict the effect of sequence changes on RNA splicing suggest that this variant may disrupt the consensus splice site, but this prediction has not been confirmed by published transcriptional studies. This variant has not been reported in the literature in individuals with MLH3-related conditions. This variant is present in population databases (rs755203976, ExAC 0.01%). This sequence change falls in intron 2 of the MLH3 gene. It does not directly change the encoded amino acid sequence of the MLH3 protein, but it affects a nucleotide within the consensus splice site of the intron.

Literature cited by the submitters: PubMed 17576681 (cited by Labcorp Genetics (formerly Invitae), Labcorp); PubMed 9536098 (cited by Labcorp Genetics (formerly Invitae), Labcorp).